The following is an entry in ClinVar:

ClinVar aggregate classification (germline): Uncertain significance. Review status: criteria provided, multiple submitters, no conflicts (2 of 4 stars). 2 submissions from 2 submitters: Uncertain significance (2). Last evaluated 2025-05-23.

Conditions:
Inborn genetic diseases. Identifiers: MedGen C0950123, MeSH D030342.
Spastic paraplegia. Identifiers: MedGen C0037772, HP:0001258.
Hereditary spastic paraplegia 26 (SPG26). Also called: SPASTIC PARAPLEGIA 26, AUTOSOMAL RECESSIVE. Identifiers: Orphanet 101006, MedGen C1836632, MONDO:0012213, OMIM 609195.

Allele frequency attached by ClinVar (database versions not stated): TOPMed below 0.00001; gnomAD 0.00001; gnomAD exomes 0.00001.
gnomAD v4.1: 40 of 1,614,130 alleles (0.0025%); highest among the groups gnomAD compares: Non-Finnish European, 0.0033%; no homozygotes.

Submissions (2):

Ambry Genetics
Classification: Uncertain significance for Inborn genetic diseases. Last evaluated: 2025-05-23. Review status: criteria provided, single submitter. Criteria: Ambry Variant Classification Scheme 2023. Collection method: clinical testing. Allele origin: germline.

Labcorp Genetics (formerly Invitae), Labcorp
Classification: Uncertain significance for Spastic paraplegia. Last evaluated: 2021-08-26. Review status: criteria provided, single submitter. Criteria: Invitae Variant Classification Sherloc (09022015). Collection method: clinical testing. Allele origin: germline.
Comment: This sequence change replaces alanine with glycine at codon 363 of the B4GALNT1 protein (p.Ala363Gly). The alanine residue is moderately conserved and there is a small physicochemical difference between alanine and glycine. This variant is not present in population databases (ExAC no frequency). This variant has not been reported in the literature in individuals affected with B4GALNT1-related conditions. Algorithms developed to predict the effect of missense changes on protein structure and function output the following: SIFT: "Tolerated"; PolyPhen-2: "Benign"; Align-GVGD: "Class C0". The glycine amino acid residue is found in multiple mammalian species, which suggests that this missense change does not adversely affect protein function. In summary, the available evidence is currently insufficient to determine the role of this variant in disease. Therefore, it has been classified as a Variant of Uncertain Significance.

NM_001478.5(B4GALNT1):c.1088C>G (p.Ala363Gly)

Gene: B4GALNT1 (beta-1,4-N-acetyl-galactosaminyltransferase 1; minus strand). Cytogenetic location: 12q13.3.
Variant type: single nucleotide variant.
Coding change: c.1088C>G on transcript NM_001478.5 (MANE Select); coding-DNA position 1088, C replaced by G.
Protein change: p.Ala363Gly; replaces alanine 363 with glycine.
Molecular consequence: missense variant.
Genome position (GRCh38, 1-based): chr12:57,628,177, G>C on the plus strand (C>G on the coding strand, the complement: B4GALNT1 is on the minus strand). VCF-style: chr12-57628177-G-C. GRCh37 (hg19) VCF-style: chr12-58021960-G-C.
Other names: c.923C>G, p.Ala308Gly (NM_001276468.2); c.1088C>G (NM_001478.3); short protein forms A308G, A363G.
Identifiers: ClinVar variation 851170 (VCV000851170.10), dbSNP rs1344371363, ClinGen allele CA385495498.